The following is an entry in ClinVar:

NM_207111.4(RNF216):c.1282T>G (p.Phe428Val)

Gene: RNF216 (ring finger protein 216; minus strand). Cytogenetic location: 7p22.1.
Variant type: single nucleotide variant.
Coding change: c.1282T>G on transcript NM_207111.4 (MANE Select); coding-DNA position 1282, T replaced by G.
Protein change: p.Phe428Val; replaces phenylalanine 428 with valine.
Molecular consequence: missense variant.
Genome position (GRCh38, 1-based): chr7:5,729,539, A>C on the plus strand (T>G on the coding strand, the complement: RNF216 is on the minus strand). VCF-style: chr7-5729539-A-C. GRCh37 (hg19) VCF-style: chr7-5769170-A-C.
Other names: c.1111T>G, p.Phe371Val (NM_001377156.1, NM_207116.3); short protein forms F371V, F428V.
Identifiers: ClinVar variation 1394886 (VCV001394886.8), dbSNP rs1444125777, ClinGen allele CA366729100.

ClinVar aggregate classification (germline): Uncertain significance (1 of 4 stars; one submission).

Allele frequency attached by ClinVar (database versions not stated): gnomAD exomes below 0.00001; gnomAD 0.00001.
gnomAD v4.1: 3 of 1,613,970 alleles (0.00019%); highest among the groups gnomAD compares: Non-Finnish European, 0.00025%; no homozygotes.

Submission:

Labcorp Genetics (formerly Invitae), Labcorp
Classification: Uncertain significance. Last evaluated: 2024-04-24. Review status: criteria provided, single submitter. Criteria: Invitae Variant Classification Sherloc (09022015). Collection method: clinical testing. Allele origin: germline.
Comment: This sequence change replaces phenylalanine, which is neutral and non-polar, with valine, which is neutral and non-polar, at codon 428 of the RNF216 protein (p.Phe428Val). This variant is present in population databases (no rsID available, gnomAD 0.0009%). This variant has not been reported in the literature in individuals affected with RNF216-related conditions. ClinVar contains an entry for this variant (Variation ID: 1394886). An algorithm developed to predict the effect of missense changes on protein structure and function (PolyPhen-2) suggests that this variant is likely to be tolerated. In summary, the available evidence is currently insufficient to determine the role of this variant in disease. Therefore, it has been classified as a Variant of Uncertain Significance.